The following is an entry in ClinVar:

NM_001042492.3(NF1):c.3332_3333dup (p.Asn1112Ter)

Gene: NF1 (neurofibromin 1; plus strand). Cytogenetic location: 17q11.2.
Variant type: Duplication.
Coding change: c.3332_3333dup on transcript NM_001042492.3 (MANE Select); coding-DNA positions 3332 to 3333, 2 bases duplicated (TG; older notation c.3332_3333dupTG).
Protein change: p.Asn1112Ter; replaces asparagine 1112 with a stop codon.
Molecular consequence: nonsense. On other transcripts: frameshift variant (1).
Genome position (GRCh38, 1-based): chr17:31,232,717-31,232,718, TG duplicated. VCF-style (leftmost placement, unchanged base first): chr17-31232716-A-ATG. GRCh37 (hg19) VCF-style: chr17-29559734-A-ATG.
Other names: c.3332_3333dup, p.Asn1112Terfs (NM_000267.4); short protein forms N1112*.
Identifiers: ClinVar variation 2099339 (VCV002099339.4), dbSNP rs2508230531, ClinGen allele CA2580093010.
Genomic context (GRCh38, chr17:31,232,716, plus strand): 5'-GATACGGCCTTCACTATGTAAAGGTCAGTCTTTTTATTTCTCAGATACTTCACATTATTT[A>ATG]TGAACCTTTTGAATGACTGCAGTGAAGTTGAAGATGAAAGTGCGCAAACAGGTGGCAGGA-3'

ClinVar aggregate classification (germline): Pathogenic (1 of 4 stars; one submission).

Conditions:
Neurofibromatosis, type 1 (NF1). Also called: Peripheral type neurofibromatosis; NEUROFIBROMATOSIS, TYPE I, SOMATIC; VON RECKLINGHAUSEN DISEASE; Neurofibromatosis, type I. Identifiers: Orphanet 636, MedGen C0027831, MONDO:0018975, OMIM 162200. Disease mechanism: loss of function.

Submission:

Labcorp Genetics (formerly Invitae), Labcorp
Classification: Pathogenic for Neurofibromatosis, type 1. Last evaluated: 2022-02-19. Review status: criteria provided, single submitter. Criteria: Invitae Variant Classification Sherloc (09022015). Collection method: clinical testing. Allele origin: germline.
Comment: For these reasons, this variant has been classified as Pathogenic. This variant has not been reported in the literature in individuals affected with NF1-related conditions. This variant is not present in population databases (gnomAD no frequency). This sequence change creates a premature translational stop signal (p.Asn1112*) in the NF1 gene. It is expected to result in an absent or disrupted protein product. Loss-of-function variants in NF1 are known to be pathogenic (PMID: 10712197, 23913538).

Literature cited by the submitters: PubMed 10712197; PubMed 23913538.